The following is an entry in ClinVar:

ClinVar aggregate classification (germline): Uncertain significance. Review status: criteria provided, multiple submitters, no conflicts (2 of 4 stars). 3 submissions from 3 submitters: Uncertain significance (3). Last evaluated 2025-06-12.

Conditions:
Imerslund-Grasbeck syndrome. Also called: Megaloblastic anemia due to inborn errors of metabolism; Imerslund-Gräsbeck syndrome; PERNICIOUS ANEMIA, JUVENILE, DUE TO SELECTIVE INTESTINAL MALABSORPTION OF VITAMIN B12, WITH PROTEINURIA; ENTEROCYTE COBALAMIN MALABSORPTION; ENTEROCYTE INTRINSIC FACTOR RECEPTOR, DEFECT OF. Identifiers: Orphanet 35858, MedGen C4551825, MONDO:0009853.
Proteinuria, chronic benign. Identifiers: MedGen C5394384, MONDO:0030042, OMIM 618884.
Imerslund-Grasbeck syndrome type 1 (IGS1). Also called: Megaloblastic anemia 1, Finnish type; Imerslund-Gräsbeck syndrome 1; MEGALOBLASTIC ANEMIA, 1. Identifiers: MedGen C4016819, MONDO:0100156, OMIM 261100.
CUBN-related disorder. Also called: CUBN-related condition.

Allele frequency attached by ClinVar (database versions not stated): gnomAD exomes 0.00002 and 0.00003; ExAC 0.00004; gnomAD 0.00005 and 0.00008; TOPMed 0.00006; ESP Exome Variant Server 0.00015; 1000 Genomes Project 30x 0.00078; 1000 Genomes Project 0.00080.
gnomAD v4.1: 39 of 1,613,754 alleles (0.0024%); highest among the groups gnomAD compares: African/African-American, 0.039%; no homozygotes.

Submissions (3):

Labcorp Genetics (formerly Invitae), Labcorp
Classification: Uncertain significance for Imerslund-Grasbeck syndrome. Last evaluated: 2025-06-12. Review status: criteria provided, single submitter. Criteria: Invitae Variant Classification Sherloc (09022015). Collection method: clinical testing. Allele origin: germline.
Comment: This sequence change replaces valine, which is neutral and non-polar, with isoleucine, which is neutral and non-polar, at codon 826 of the CUBN protein (p.Val826Ile). This variant is present in population databases (rs141874896, gnomAD 0.03%). This variant has not been reported in the literature in individuals affected with CUBN-related conditions. ClinVar contains an entry for this variant (Variation ID: 1485050). Invitae Evidence Modeling of protein sequence and biophysical properties (such as structural, functional, and spatial information, amino acid conservation, physicochemical variation, residue mobility, and thermodynamic stability) indicates that this missense variant is not expected to disrupt CUBN protein function with a negative predictive value of 80%. In summary, the available evidence is currently insufficient to determine the role of this variant in disease. Therefore, it has been classified as a Variant of Uncertain Significance.

PreventionGenetics, part of Exact Sciences
Classification: Uncertain significance for CUBN-related condition. Last evaluated: 2025-02-06. Review status: criteria provided, single submitter. Criteria: ACMG Guidelines, 2015. Collection method: clinical testing. Allele origin: germline.
Comment: The CUBN c.2476G>A variant is predicted to result in the amino acid substitution p.Val826Ile. To our knowledge, this variant has not been reported in the literature. This variant is reported in 0.024% of alleles in individuals of African descent in gnomAD. At this time, the clinical significance of this variant is uncertain due to the absence of conclusive functional and genetic evidence.

Fulgent Genetics
Classification: Uncertain significance for Imerslund-Grasbeck syndrome type 1; Proteinuria, chronic benign. Last evaluated: 2024-01-23. Review status: criteria provided, single submitter. Criteria: ACMG Guidelines, 2015. Collection method: clinical testing. Allele origin: germline.

NM_001081.4(CUBN):c.2476G>A (p.Val826Ile)

Gene: CUBN (cubilin; minus strand). Cytogenetic location: 10p13.
Variant type: single nucleotide variant.
Coding change: c.2476G>A on transcript NM_001081.4 (MANE Select); coding-DNA position 2476, G replaced by A.
Protein change: p.Val826Ile; replaces valine 826 with isoleucine.
Molecular consequence: missense variant.
Genome position (GRCh38, 1-based): chr10:17,071,575, C>T on the plus strand (G>A on the coding strand, the complement: CUBN is on the minus strand). VCF-style: chr10-17071575-C-T. GRCh37 (hg19) VCF-style: chr10-17113574-C-T.
Other names: c.2476G>A (NM_001081.3); short protein forms V826I.
Identifiers: ClinVar variation 1485050 (VCV001485050.9), dbSNP rs141874896, ClinGen allele CA5424963.